The following is an entry in ClinVar:

NM_006514.4(SCN10A):c.1712C>T (p.Pro571Leu)

Gene: SCN10A (sodium voltage-gated channel alpha subunit 10; minus strand). Cytogenetic location: 3p22.2.
Variant type: single nucleotide variant.
Coding change: c.1712C>T on transcript NM_006514.4 (MANE Select); coding-DNA position 1712, C replaced by T.
Protein change: p.Pro571Leu; replaces proline 571 with leucine.
Molecular consequence: missense variant. On other transcripts: intron variant (1).
Genome position (GRCh38, 1-based): chr3:38,752,262, G>A on the plus strand (C>T on the coding strand, the complement: SCN10A is on the minus strand). VCF-style: chr3-38752262-G-A. GRCh37 (hg19) VCF-style: chr3-38793753-G-A.
Other names: c.1712C>T, p.Pro571Leu (NM_001293306.2); c.1462-2078C>T (NM_001293307.2); short protein forms P571L.
Identifiers: ClinVar variation 1712851 (VCV001712851.7), dbSNP rs148046286, ClinGen allele CA2320782.

ClinVar aggregate classification (germline): Conflicting classifications of pathogenicity. Review status: criteria provided, conflicting classifications (1 of 4 stars). 3 submissions from 3 submitters: Uncertain significance (2); Likely benign (1). Last evaluated 2025-12-27.

Conditions:
Cardiovascular phenotype. Identifiers: MedGen CN230736.
Brugada syndrome. Also called: Sudden Unexplained Death Syndrome; Sudden Unexplained Nocturnal Death Syndrome (SUNDS); Sudden unexpected nocturnal death syndrome; Sudden unexplained nocturnal death syndrome. Identifiers: Orphanet 130, MedGen C1142166, MONDO:0015263.

Allele frequency attached by ClinVar (database versions not stated): ExAC 0.00001; TOPMed 0.00002; gnomAD 0.00003; gnomAD exomes 0.00003; ESP Exome Variant Server 0.00008.
gnomAD v4.1: 41 of 1,577,938 alleles (0.0026%); highest among the groups gnomAD compares: Middle Eastern, 0.034%; no homozygotes.

Submissions (3):

Labcorp Genetics (formerly Invitae), Labcorp
Classification: Uncertain significance for Brugada syndrome. Last evaluated: 2025-12-27. Review status: criteria provided, single submitter. Criteria: Invitae Variant Classification Sherloc (09022015). Collection method: clinical testing. Allele origin: germline.
Comment: This sequence change replaces proline, which is neutral and non-polar, with leucine, which is neutral and non-polar, at codon 571 of the SCN10A protein (p.Pro571Leu). This variant is present in population databases (rs148046286, gnomAD 0.01%). This variant has not been reported in the literature in individuals affected with SCN10A-related conditions. ClinVar contains an entry for this variant (Variation ID: 1712851). Invitae Evidence Modeling of protein sequence and biophysical properties (such as structural, functional, and spatial information, amino acid conservation, physicochemical variation, residue mobility, and thermodynamic stability) indicates that this missense variant is not expected to disrupt SCN10A protein function with a negative predictive value of 95%. In summary, the available evidence is currently insufficient to determine the role of this variant in disease. Therefore, it has been classified as a Variant of Uncertain Significance.

Ambry Genetics
Classification: Likely benign for Cardiovascular phenotype. Last evaluated: 2025-06-12. Review status: criteria provided, single submitter. Criteria: Ambry Variant Classification Scheme 2023. Collection method: clinical testing. Allele origin: germline.

GeneDx
Classification: Uncertain significance. Last evaluated: 2022-04-27. Review status: criteria provided, single submitter. Criteria: GeneDx Variant Classification Process June 2021. Collection method: clinical testing. Allele origin: germline. Affected: yes.
Comment: Has not been previously published as pathogenic or benign to our knowledge; In silico analysis supports that this missense variant does not alter protein structure/function